The following is an entry in ClinVar:

NC_012920.1(MT-ND5):m.14063T>C

Gene: MT-ND5 (mitochondrially encoded NADH dehydrogenase 5; plus strand).
Variant type: single nucleotide variant.
Genome position: chrM-14063-T-C.
Identifiers: ClinVar variation 693663 (VCV000693663.1), dbSNP rs1556424379, ClinGen allele CA414820740.

ClinVar aggregate classification (germline): Benign (1 of 4 stars; one submission).

Conditions:
Leigh syndrome (NULS). Also called: Leigh's necrotizing encephalopathy; Leigh's disease; Leigh's syndrome; LEIGH SYNDROME, NUCLEAR; Leigh Syndrome (mtDNA deletion); Leigh Disease. Identifiers: Orphanet 506, MedGen C2931891, MONDO:0009723, OMIM 256000.

Submission:

Wong Mito Lab, Molecular and Human Genetics, Baylor College of Medicine
Classification: Benign for Leigh syndrome. Last evaluated: 2019-10-17. Review status: criteria provided, single submitter. Criteria: Modified ACMG Guidelines (Unpublished). Collection method: clinical testing. Allele origin: germline.
Comment: The NC_012920.1:m.14063T>C (YP_003024036.1:p.Ile576Thr) variant in MTND5 gene is interpretated to be a Benign variant based on the modified ACMG guidelines (unpublished). This variant meets the following evidence codes: BS1, BS4, BP4